The following is an entry in ClinVar:

NM_000038.6(APC):c.5247G>T (p.Gln1749His)

Gene: APC (APC regulator of Wnt signaling pathway; plus strand). Cytogenetic location: 5q22.2.
Variant type: single nucleotide variant.
Coding change: c.5247G>T on transcript NM_000038.6 (MANE Select); coding-DNA position 5247, G replaced by T.
Protein change: p.Gln1749His; replaces glutamine 1749 with histidine.
Molecular consequence: missense variant.
Genome position (GRCh38, 1-based): chr5:112,840,841, G>T. VCF-style: chr5-112840841-G-T. GRCh37 (hg19) VCF-style: chr5-112176538-G-T.
Other names: c.5247G>T, p.Gln1749His (NM_001127510.3, NM_001354895.2); c.5193G>T, p.Gln1731His (NM_001127511.3); c.5301G>T, p.Gln1767His (NM_001354896.2); c.5277G>T, p.Gln1759His (NM_001354897.2); c.5172G>T, p.Gln1724His (NM_001354898.2); c.5163G>T, p.Gln1721His (NM_001354899.2); c.5124G>T, p.Gln1708His (NM_001354900.2); c.5070G>T, p.Gln1690His (NM_001354901.2); and 5 more; short protein forms Q1731H, Q1749H, Q1466H, Q1589H, Q1721H, Q1658H, Q1690H, Q1708H.
Identifiers: ClinVar variation 486737 (VCV000486737.61), dbSNP rs1397709973, ClinGen allele CA16032806.

ClinVar aggregate classification (germline): Uncertain significance. Review status: criteria provided, multiple submitters, no conflicts (2 of 4 stars). 5 submissions from 5 submitters: Uncertain significance (5). Last evaluated 2025-09-08.

Conditions:
Classic or attenuated familial adenomatous polyposis. Identifiers: MedGen CN372698, MONDO:0021057.
Familial adenomatous polyposis 1 (FAP1). Also called: FAMILIAL ADENOMATOUS POLYPOSIS 1, ATTENUATED; POLYPOSIS, ADENOMATOUS INTESTINAL. Identifiers: MedGen C2713442, MONDO:0021056, OMIM 175100. Disease mechanism: loss of function.
Hereditary cancer-predisposing syndrome. Also called: Tumor predisposition; Hereditary Cancer Syndrome; Hereditary neoplastic syndrome; Neoplastic Syndromes, Hereditary. Identifiers: Orphanet 140162, MedGen C0027672, MeSH D009386, MONDO:0015356.

Allele frequency attached by ClinVar (database versions not stated): TOPMed 0.00001; gnomAD exomes 0.00002.
gnomAD v4.1: 15 of 1,614,088 alleles (0.00093%); highest among the groups gnomAD compares: Non-Finnish European, 0.0013%; no homozygotes.

Submissions (5):

Labcorp Genetics (formerly Invitae), Labcorp
Classification: Uncertain significance for Familial adenomatous polyposis 1. Last evaluated: 2025-09-08. Review status: criteria provided, single submitter. Criteria: Invitae Variant Classification Sherloc (09022015). Collection method: clinical testing. Allele origin: germline.
Comment: This sequence change replaces glutamine, which is neutral and polar, with histidine, which is basic and polar, at codon 1749 of the APC protein (p.Gln1749His). This variant is not present in population databases (gnomAD no frequency). This variant has not been reported in the literature in individuals affected with APC-related conditions. ClinVar contains an entry for this variant (Variation ID: 486737). Invitae Evidence Modeling of protein sequence and biophysical properties (such as structural, functional, and spatial information, amino acid conservation, physicochemical variation, residue mobility, and thermodynamic stability) indicates that this missense variant is not expected to disrupt APC protein function with a negative predictive value of 95%. In summary, the available evidence is currently insufficient to determine the role of this variant in disease. Therefore, it has been classified as a Variant of Uncertain Significance.

Ambry Genetics
Classification: Uncertain significance for Hereditary cancer-predisposing syndrome. Last evaluated: 2025-04-12. Review status: criteria provided, single submitter. Criteria: Ambry Variant Classification Scheme 2023. Collection method: clinical testing. Allele origin: germline.
Comment: The p.Q1749H variant (also known as c.5247G>T), located in coding exon 15 of the APC gene, results from a G to T substitution at nucleotide position 5247. The glutamine at codon 1749 is replaced by histidine, an amino acid with highly similar properties. This amino acid position is well conserved in available vertebrate species. In addition, in silico predictors for this gene do not accurately predict pathogenicity. Since supporting evidence is limited at this time, the clinical significance of this alteration remains unclear.

All of Us Research Program, National Institutes of Health
Classification: Uncertain significance for Classic or attenuated familial adenomatous polyposis. Last evaluated: 2024-09-23. Review status: criteria provided, single submitter. Criteria: ACMG Guidelines, 2015. Collection method: clinical testing. Allele origin: germline. Inheritance: Autosomal dominant inheritance. Observed: 1 variant allele, 1 heterozygote.
Comment: This missense variant replaces glutamine with histidine at codon 1749 of the APC protein. Computational prediction suggests that this variant may not impact protein structure and function (internally defined REVEL score threshold <= 0.5, PMID: 27666373). To our knowledge, functional studies have not been reported for this variant. This variant has not been reported in individuals affected with hereditary cancer in the literature. This variant has not been identified in the general population by the Genome Aggregation Database (gnomAD). The available evidence is insufficient to determine the role of this variant in disease conclusively. Therefore, this variant is classified as a Variant of Uncertain Significance.

This study involves interpretation of variants in research participants for the purpose of population health screening. Participant phenotype was not available at the time of variant classification. Additional details can be found in publication PMID: 35346344, PMCID: PMC8962531

Color Diagnostics, LLC DBA Color Health
Classification: Uncertain significance for Hereditary cancer-predisposing syndrome. Last evaluated: 2024-03-07. Review status: criteria provided, single submitter. Criteria: ACMG Guidelines, 2015. Collection method: clinical testing. Allele origin: germline.
Comment: This missense variant replaces glutamine with histidine at codon 1749 of the APC protein. Computational prediction suggests that this variant may not impact protein structure and function (internally defined REVEL score threshold <= 0.5, PMID: 27666373). To our knowledge, functional studies have not been reported for this variant. This variant has not been reported in individuals affected with hereditary cancer in the literature. This variant has not been identified in the general population by the Genome Aggregation Database (gnomAD). The available evidence is insufficient to determine the role of this variant in disease conclusively. Therefore, this variant is classified as a Variant of Uncertain Significance.

GeneDx
Classification: Uncertain significance. Last evaluated: 2023-02-01. Review status: criteria provided, single submitter. Criteria: GeneDx Variant Classification Process June 2021. Collection method: clinical testing. Allele origin: germline. Affected: yes.
Comment: Not observed at significant frequency in large population cohorts (gnomAD); In silico analysis supports that this missense variant does not alter protein structure/function; Has not been previously published as pathogenic or benign to our knowledge; This variant is associated with the following publications: (PMID: 18199528, 28002797)